The following is an entry in ClinVar:

NM_004656.4(BAP1):c.820C>G (p.His274Asp)

Gene: BAP1 (BRCA1 associated deubiquitinase 1; minus strand). Cytogenetic location: 3p21.1.
Variant type: single nucleotide variant.
Coding change: c.820C>G on transcript NM_004656.4 (MANE Select); coding-DNA position 820, C replaced by G.
Protein change: p.His274Asp; replaces histidine 274 with aspartic acid.
Molecular consequence: missense variant.
Genome position (GRCh38, 1-based): chr3:52,405,876, G>C on the plus strand (C>G on the coding strand, the complement: BAP1 is on the minus strand). VCF-style: chr3-52405876-G-C. GRCh37 (hg19) VCF-style: chr3-52439892-G-C.
Other names: c.766C>G, p.His256Asp (NM_001410772.1); short protein forms H256D, H274D.
Identifiers: ClinVar variation 3477560 (VCV003477560.1).

ClinVar aggregate classification (germline): Uncertain significance (1 of 4 stars; one submission).

Conditions:
Hereditary cancer-predisposing syndrome. Also called: Tumor predisposition; Neoplastic Syndromes, Hereditary; Hereditary neoplastic syndrome; Hereditary Cancer Syndrome. Identifiers: Orphanet 140162, MedGen C0027672, MeSH D009386, MONDO:0015356.

Submission:

Ambry Genetics
Classification: Uncertain significance for Hereditary cancer-predisposing syndrome. Last evaluated: 2024-09-10. Review status: criteria provided, single submitter. Criteria: Ambry Variant Classification Scheme 2023. Collection method: clinical testing. Allele origin: germline.
Comment: The p.H274D variant (also known as c.820C>G), located in coding exon 10 of the BAP1 gene, results from a C to G substitution at nucleotide position 820. The histidine at codon 274 is replaced by aspartic acid, an amino acid with similar properties. This amino acid position is conserved. In addition, this alteration is predicted to be tolerated by in silico analysis. Based on the available evidence, the clinical significance of this variant remains unclear.